The following is an entry in ClinVar:

ClinVar aggregate classification (germline): Uncertain significance (1 of 4 stars; one submission).

Conditions:
Fanconi anemia (FA). Also called: Fanconi's anemia. Identifiers: Orphanet 84, MedGen C0015625, MeSH D005199, MONDO:0019391.

Allele frequency attached by ClinVar (database versions not stated): gnomAD exomes below 0.00001; TOPMed below 0.00001.
gnomAD v4.1: 4 of 1,613,506 alleles (0.00025%); highest among the groups gnomAD compares: Non-Finnish European, 0.00034%; no homozygotes.

Submission:

Labcorp Genetics (formerly Invitae), Labcorp
Classification: Uncertain significance for Fanconi anemia. Last evaluated: 2023-08-10. Review status: criteria provided, single submitter. Criteria: Invitae Variant Classification Sherloc (09022015). Collection method: clinical testing. Allele origin: germline.
Comment: ClinVar contains an entry for this variant (Variation ID: 1353106). In summary, the available evidence is currently insufficient to determine the role of this variant in disease. Therefore, it has been classified as a Variant of Uncertain Significance. Advanced modeling of protein sequence and biophysical properties (such as structural, functional, and spatial information, amino acid conservation, physicochemical variation, residue mobility, and thermodynamic stability) performed at Invitae indicates that this missense variant is not expected to disrupt FANCI protein function. This variant has not been reported in the literature in individuals affected with FANCI-related conditions. This variant is present in population databases (no rsID available, gnomAD 0.0009%). This sequence change replaces glutamine, which is neutral and polar, with glutamic acid, which is acidic and polar, at codon 34 of the FANCI protein (p.Gln34Glu).

NM_001113378.2(FANCI):c.100C>G (p.Gln34Glu)

Gene: FANCI (FA complementation group I; plus strand). Cytogenetic location: 15q26.1.
Variant type: single nucleotide variant.
Coding change: c.100C>G on transcript NM_001113378.2 (MANE Select); coding-DNA position 100, C replaced by G.
Protein change: p.Gln34Glu; replaces glutamine 34 with glutamic acid.
Molecular consequence: missense variant. On other transcripts: 5 prime UTR variant (1).
Genome position (GRCh38, 1-based): chr15:89,258,719, C>G. VCF-style: chr15-89258719-C-G. GRCh37 (hg19) VCF-style: chr15-89801950-C-G.
Other names: c.-180C>G (NM_001376910.1); c.100C>G, p.Gln34Glu (NM_001376911.1, NM_018193.3); short protein forms Q34E.
Identifiers: ClinVar variation 1353106 (VCV001353106.6), dbSNP rs1432524532, ClinGen allele CA393737338.